The following is an entry in ClinVar:

ClinVar aggregate classification (germline): Uncertain significance (0 of 4 stars; one submission).

Conditions:
FAN1-related disorder. Also called: FAN1-related condition.

Submission:

PreventionGenetics, part of Exact Sciences
Classification: Uncertain significance for FAN1-related condition. Last evaluated: 2023-12-06. Review status: no assertion criteria provided. Collection method: clinical testing. Allele origin: germline.
Comment: The FAN1 c.1552G>A variant is predicted to result in the amino acid substitution p.Gly518Arg. To our knowledge, this variant has not been reported in the literature or in a large population database, indicating this variant is rare. At this time, the clinical significance of this variant is uncertain due to the absence of conclusive functional and genetic evidence.

NM_014967.5(FAN1):c.1552G>A (p.Gly518Arg)

Gene: FAN1 (FANCD2 and FANCI associated nuclease 1; plus strand). Cytogenetic location: 15q13.3.
Variant type: single nucleotide variant.
Coding change: c.1552G>A on transcript NM_014967.5 (MANE Select); coding-DNA position 1552, G replaced by A.
Protein change: p.Gly518Arg; replaces glycine 518 with arginine.
Molecular consequence: missense variant.
Genome position (GRCh38, 1-based): chr15:30,910,790, G>A. VCF-style: chr15-30910790-G-A. GRCh37 (hg19) VCF-style: chr15-31202993-G-A.
Other names: c.1552G>A, p.Gly518Arg (NM_001146094.2, NM_001146095.1, NM_001146096.2); short protein forms G518R.
Identifiers: ClinVar variation 3032818 (VCV003032818.2), dbSNP rs376174791, ClinGen allele CA391509923.
Genomic context (GRCh38, chr15:30,910,790, plus strand): 5'-GACGCCTTTCTCAAATTGGCCAAACAGCGTTCAGTCTGCACTTGGGGCAAGAATAAGCCT[G>A]GAATTGGTGCAGTGATTTTAAAAAGGTTTTGTTGGCTATTGTTACAGTAAAAACATTTAA-3'
Protein context (NP_055782.3, residues 508-528): SVCTWGKNKP[Gly518Arg]IGAVILKRAK